The following is an entry in ClinVar:

ClinVar aggregate classification (germline): Uncertain significance (1 of 4 stars; one submission).

Conditions:
Catecholaminergic polymorphic ventricular tachycardia 1. Also called: VENTRICULAR TACHYCARDIA, CATECHOLAMINERGIC POLYMORPHIC, 1, WITH OR WITHOUT ATRIAL DYSFUNCTION AND/OR DILATED CARDIOMYOPATHY; RYR2-Related Catecholaminergic Polymorphic Ventricular Tachycardia; VENTRICULAR TACHYCARDIA, STRESS-INDUCED POLYMORPHIC 1. Identifiers: Orphanet 3286, MedGen C1631597, MONDO:0011484, OMIM 604772.

Allele frequency attached by ClinVar (database versions not stated): ExAC 0.00003.
gnomAD v4.1: 4 of 1,553,814 alleles (0.00026%); highest among the groups gnomAD compares: Non-Finnish European, 0.00035%; no homozygotes.

Submission:

Labcorp Genetics (formerly Invitae), Labcorp
Classification: Uncertain significance for Catecholaminergic polymorphic ventricular tachycardia 1. Last evaluated: 2026-01-26. Review status: criteria provided, single submitter. Criteria: Invitae Variant Classification Sherloc (09022015). Collection method: clinical testing. Allele origin: germline.
Comment: This sequence change replaces arginine, which is basic and polar, with proline, which is neutral and non-polar, at codon 271 of the TRDN protein (p.Arg271Pro). The frequency data for this variant in the population databases is considered unreliable, as metrics indicate poor data quality at this position in the gnomAD database. This variant has not been reported in the literature in individuals affected with TRDN-related conditions. ClinVar contains an entry for this variant (Variation ID: 2047820). Invitae Evidence Modeling of protein sequence and biophysical properties (such as structural, functional, and spatial information, amino acid conservation, physicochemical variation, residue mobility, and thermodynamic stability) has been performed for this missense variant. However, the output from this modeling did not meet the statistical confidence thresholds required to predict the impact of this variant on TRDN protein function. Algorithms developed to predict the effect of sequence changes on RNA splicing suggest that this variant may disrupt the consensus splice site. In summary, the available evidence is currently insufficient to determine the role of this variant in disease. Therefore, it has been classified as a Variant of Uncertain Significance.

NM_006073.4(TRDN):c.812G>C (p.Arg271Pro)

Gene: TRDN (triadin; minus strand). Cytogenetic location: 6q22.31.
Variant type: single nucleotide variant.
Coding change: c.812G>C on transcript NM_006073.4 (MANE Select); coding-DNA position 812, G replaced by C.
Protein change: p.Arg271Pro; replaces arginine 271 with proline.
Molecular consequence: missense variant. On other transcripts: intron variant (1).
Genome position (GRCh38, 1-based): chr6:123,497,234, C>G on the plus strand (G>C on the coding strand, the complement: TRDN is on the minus strand). VCF-style: chr6-123497234-C-G. GRCh37 (hg19) VCF-style: chr6-123818379-C-G.
Other names: c.812G>C, p.Arg271Pro (NM_001251987.2); c.793+6485G>C (NM_001256020.2); short protein forms R271P.
Identifiers: ClinVar variation 2047820 (VCV002047820.2), dbSNP rs772783444, ClinGen allele CA3984253.
Genomic context (GRCh38, chr6:123,497,234, plus strand): 5'-CAAGAATTGCTTGGAATACCTGGTTTTAAATCCCCATGGACAAATATGTCAATCATATAT[C>G]GACAGAATGCATACTGATCTGACAGAGTAGAAAGAAAAAGAGCAATGAAAAAATGTCATC-3'
Protein context (NP_006064.2, residues 261-281): HEQKDQYAFC[Arg271Pro]YMIDIFVHGD